The following is an entry in ClinVar:

NM_006269.2(RP1):c.3700T>A (p.Ser1234Thr)

Gene: RP1 (RP1 axonemal microtubule associated; plus strand). Cytogenetic location: 8q12.1.
Variant type: single nucleotide variant.
Coding change: c.3700T>A on transcript NM_006269.2 (MANE Select); coding-DNA position 3700, T replaced by A.
Protein change: p.Ser1234Thr; replaces serine 1234 with threonine.
Molecular consequence: missense variant. On other transcripts: intron variant (1).
Genome position (GRCh38, 1-based): chr8:54,627,582, T>A. VCF-style: chr8-54627582-T-A. GRCh37 (hg19) VCF-style: chr8-55540142-T-A.
Other names: c.787+5294T>A (NM_001375654.1); short protein forms S1234T.
Identifiers: ClinVar variation 1472046 (VCV001472046.6), dbSNP rs552178472, ClinGen allele CA4751733.

ClinVar aggregate classification (germline): Uncertain significance (1 of 4 stars; one submission).

Allele frequency attached by ClinVar (database versions not stated): gnomAD exomes 0.00003; TOPMed 0.00005.
gnomAD v4.1: 20 of 1,614,178 alleles (0.0012%); highest among the groups gnomAD compares: Admixed American, 0.033%; no homozygotes.

Submission:

Labcorp Genetics (formerly Invitae), Labcorp
Classification: Uncertain significance. Last evaluated: 2024-11-26. Review status: criteria provided, single submitter. Criteria: Invitae Variant Classification Sherloc (09022015). Collection method: clinical testing. Allele origin: germline.
Comment: This sequence change replaces serine, which is neutral and polar, with threonine, which is neutral and polar, at codon 1234 of the RP1 protein (p.Ser1234Thr). This variant is present in population databases (rs552178472, gnomAD 0.04%). This variant has not been reported in the literature in individuals affected with RP1-related conditions. ClinVar contains an entry for this variant (Variation ID: 1472046). An algorithm developed to predict the effect of missense changes on protein structure and function outputs the following: PolyPhen-2: "Benign". The threonine amino acid residue is found in multiple mammalian species, which suggests that this missense change does not adversely affect protein function. In summary, the available evidence is currently insufficient to determine the role of this variant in disease. Therefore, it has been classified as a Variant of Uncertain Significance.